The following is an entry in ClinVar:

NM_001046.3(SLC12A2):c.1076G>A (p.Ser359Asn)

Gene: SLC12A2 (solute carrier family 12 member 2; plus strand). Cytogenetic location: 5q23.3.
Variant type: single nucleotide variant.
Coding change: c.1076G>A on transcript NM_001046.3 (MANE Select); coding-DNA position 1076, G replaced by A.
Protein change: p.Ser359Asn; replaces serine 359 with asparagine.
Molecular consequence: missense variant. On other transcripts: non-coding transcript variant (1).
Genome position (GRCh38, 1-based): chr5:128,131,094, G>A. VCF-style: chr5-128131094-G-A. GRCh37 (hg19) VCF-style: chr5-127466786-G-A.
Other names: c.1076G>A (NM_001046.2); c.1076G>A, p.Ser359Asn (NM_001256461.2); short protein forms S359N.
Identifiers: ClinVar variation 1709687 (VCV001709687.3), dbSNP rs1762004996, ClinGen allele CA360740835.

ClinVar aggregate classification (germline): Uncertain significance. Review status: criteria provided, multiple submitters, no conflicts (2 of 4 stars). 2 submissions from 2 submitters: Uncertain significance (2). Last evaluated 2023-02-01.

Conditions:
Delpire-McNeill syndrome. Also called: SLC12A2-related autosomal dominant infantile-developmental delay-intellectual disability-sensorineural deafness syndrome. Identifiers: Orphanet 633024, MedGen C5436771, MONDO:0033667, OMIM 619083.

Submissions (2):

GeneDx
Classification: Uncertain significance. Last evaluated: 2023-02-01. Review status: criteria provided, single submitter. Criteria: GeneDx Variant Classification Process June 2021. Collection method: clinical testing. Allele origin: germline. Affected: yes.
Comment: Not observed at significant frequency in large population cohorts (gnomAD); In silico analysis supports that this missense variant has a deleterious effect on protein structure/function; Has not been previously published as pathogenic or benign to our knowledge

MGZ Medical Genetics Center
Classification: Uncertain significance for Delpire-McNeill syndrome. Last evaluated: 2022-08-02. Review status: criteria provided, single submitter. Criteria: ACMG Guidelines, 2015. Collection method: clinical testing. Allele origin: germline. Affected: yes. Observed: 1 variant allele.
Comment: ACMG criteria applied: PM2_SUP, PP3